The following is an entry in ClinVar:

ClinVar aggregate classification (germline): Uncertain significance (1 of 4 stars; one submission).

Conditions:
Spondyloepimetaphyseal dysplasia, PAPSS2 type. Also called: SEMD, PAKISTANI TYPE; BRACHYOLMIA TYPE 4 WITH MILD EPIPHYSEAL AND METAPHYSEAL CHANGES; SPONDYLODYSPLASIA AND PREMATURE PUBARCHE. Identifiers: Orphanet 93282, MedGen C2748516, MONDO:0019666, OMIM 612847.

Allele frequency attached by ClinVar (database versions not stated): ExAC 0.00001; gnomAD 0.00001; ESP Exome Variant Server 0.00008.
gnomAD v4.1: 4 of 1,609,838 alleles (0.00025%); highest among the groups gnomAD compares: African/African-American, 0.0054%; no homozygotes.

Submission:

Labcorp Genetics (formerly Invitae), Labcorp
Classification: Uncertain significance for Spondyloepimetaphyseal dysplasia, PAPSS2 type. Last evaluated: 2021-04-23. Review status: criteria provided, single submitter. Criteria: Invitae Variant Classification Sherloc (09022015). Collection method: clinical testing. Allele origin: germline.
Comment: This variant is present in population databases (rs370889902, ExAC 0.01%). In summary, the available evidence is currently insufficient to determine the role of this variant in disease. Therefore, it has been classified as a Variant of Uncertain Significance. Algorithms developed to predict the effect of missense changes on protein structure and function (SIFT, PolyPhen-2, Align-GVGD) all suggest that this variant is likely to be tolerated, but these predictions have not been confirmed by published functional studies and their clinical significance is uncertain. This variant has not been reported in the literature in individuals with PAPSS2-related conditions. This sequence change replaces proline with arginine at codon 93 of the PAPSS2 protein (p.Pro93Arg). The proline residue is weakly conserved and there is a moderate physicochemical difference between proline and arginine.

NM_001015880.2(PAPSS2):c.278C>G (p.Pro93Arg)

Gene: PAPSS2 (3'-phosphoadenosine 5'-phosphosulfate synthase 2; plus strand). Cytogenetic location: 10q23.31.
Variant type: single nucleotide variant.
Coding change: c.278C>G on transcript NM_001015880.2 (MANE Select); coding-DNA position 278, C replaced by G.
Protein change: p.Pro93Arg; replaces proline 93 with arginine.
Molecular consequence: missense variant.
Genome position (GRCh38, 1-based): chr10:87,713,207, C>G. VCF-style: chr10-87713207-C-G. GRCh37 (hg19) VCF-style: chr10-89472964-C-G.
Other names: c.278C>G, p.Pro93Arg (NM_004670.4); short protein forms P93R.
Identifiers: ClinVar variation 1413018 (VCV001413018.8), dbSNP rs370889902, ClinGen allele CA5589390.